The following is an entry in ClinVar:

NM_002615.7(SERPINF1):c.1040C>A (p.Thr347Lys)

Gene: SERPINF1 (serpin family F member 1; plus strand). Cytogenetic location: 17p13.3.
Variant type: single nucleotide variant.
Coding change: c.1040C>A on transcript NM_002615.7 (MANE Select); coding-DNA position 1040, C replaced by A.
Protein change: p.Thr347Lys; replaces threonine 347 with lysine.
Molecular consequence: missense variant.
Genome position (GRCh38, 1-based): chr17:1,777,229, C>A. VCF-style: chr17-1777229-C-A. GRCh37 (hg19) VCF-style: chr17-1680523-C-A.
Other names: c.1040C>A, p.Thr347Lys (NM_001329903.2); c.479C>A, p.Thr160Lys (NM_001329904.2, NM_001329905.2); short protein forms T160K, T347K.
Identifiers: ClinVar variation 1391106 (VCV001391106.4), dbSNP rs146326833, ClinGen allele CA8274942.

ClinVar aggregate classification (germline): Uncertain significance (1 of 4 stars; one submission).

Allele frequency attached by ClinVar (database versions not stated): 1000 Genomes Project 0.00020; ESP Exome Variant Server 0.00008; 1000 Genomes Project 30x 0.00016; ExAC 0.00002.
gnomAD v4.1: 36 of 1,614,162 alleles (0.0022%); highest among the groups gnomAD compares: Non-Finnish European, 0.0029%; no homozygotes.

Submission:

Labcorp Genetics (formerly Invitae), Labcorp
Classification: Uncertain significance. Last evaluated: 2021-10-05. Review status: criteria provided, single submitter. Criteria: Invitae Variant Classification Sherloc (09022015). Collection method: clinical testing. Allele origin: germline.
Comment: In summary, the available evidence is currently insufficient to determine the role of this variant in disease. Therefore, it has been classified as a Variant of Uncertain Significance. Algorithms developed to predict the effect of missense changes on protein structure and function are either unavailable or do not agree on the potential impact of this missense change (SIFT: "Not Available"; PolyPhen-2: "Possibly Damaging"; Align-GVGD: "Not Available"). This variant has not been reported in the literature in individuals affected with SERPINF1-related conditions. This variant is present in population databases (rs146326833, ExAC 0.004%). This sequence change replaces threonine with lysine at codon 347 of the SERPINF1 protein (p.Thr347Lys). The threonine residue is moderately conserved and there is a moderate physicochemical difference between threonine and lysine.